The following is an entry in ClinVar:

ClinVar aggregate classification (germline): Uncertain significance (1 of 4 stars; one submission).

Conditions:
Familial thoracic aortic aneurysm and aortic dissection (TAAD). Also called: Thoracic aortic aneurysms and dissections. Identifiers: Orphanet 91387, MedGen C4707243, MONDO:0019625.
Hereditary cancer-predisposing syndrome. Also called: Neoplastic Syndromes, Hereditary; Tumor predisposition; Hereditary neoplastic syndrome; Hereditary Cancer Syndrome. Identifiers: Orphanet 140162, MedGen C0027672, MeSH D009386, MONDO:0015356.

Submission:

Ambry Genetics
Classification: Uncertain significance for Hereditary cancer-predisposing syndrome; Familial thoracic aortic aneurysm and aortic dissection. Last evaluated: 2026-07-06. Review status: criteria provided, single submitter. Criteria: Ambry Variant Classification Scheme 2023. Collection method: clinical testing. Allele origin: germline.
Comment: The p.L389V variant (also known as c.1165T>G), located in coding exon 9 of the SMAD4 gene, results from a T to G substitution at nucleotide position 1165. The leucine at codon 389 is replaced by valine, an amino acid with highly similar properties. This amino acid position is conserved. In addition, this alteration is predicted to be deleterious by in silico analysis. Based on the available evidence, the clinical significance of this variant remains unclear.

NM_005359.6(SMAD4):c.1165T>G (p.Leu389Val)

Gene: SMAD4 (SMAD family member 4; plus strand). Cytogenetic location: 18q21.2.
Variant type: single nucleotide variant.
Coding change: c.1165T>G on transcript NM_005359.6 (MANE Select); coding-DNA position 1165, T replaced by G.
Protein change: p.Leu389Val; replaces leucine 389 with valine.
Molecular consequence: missense variant. On other transcripts: non-coding transcript variant (1).
Genome position (GRCh38, 1-based): chr18:51,067,044, T>G. VCF-style: chr18-51067044-T-G. GRCh37 (hg19) VCF-style: chr18-48593414-T-G.
Other names: c.1165T>G, p.Leu389Val (NM_001407041.1, NM_001407042.1); short protein forms L389V.
Identifiers: ClinVar variation 5029740 (VCV005029740.1).